The following is an entry in ClinVar:

NM_013254.4(TBK1):c.511G>A (p.Val171Ile)

Gene: TBK1 (TANK binding kinase 1; plus strand). Cytogenetic location: 12q14.2.
Variant type: single nucleotide variant.
Coding change: c.511G>A on transcript NM_013254.4 (MANE Select); coding-DNA position 511, G replaced by A.
Protein change: p.Val171Ile; replaces valine 171 with isoleucine.
Molecular consequence: missense variant.
Genome position (GRCh38, 1-based): chr12:64,467,053, G>A. VCF-style: chr12-64467053-G-A. GRCh37 (hg19) VCF-style: chr12-64860833-G-A.
Other names: short protein forms V171I.
Identifiers: ClinVar variation 1406525 (VCV001406525.8), dbSNP rs2136063606, ClinGen allele CA385596215.

ClinVar aggregate classification (germline): Uncertain significance (1 of 4 stars; one submission).

Conditions:
Frontotemporal dementia and/or amyotrophic lateral sclerosis 4. Also called: FTDALS4. Identifiers: Orphanet 275872, MedGen C4225325, MONDO:0014641, OMIM 616439.

Submission:

Labcorp Genetics (formerly Invitae), Labcorp
Classification: Uncertain significance for Frontotemporal dementia and/or amyotrophic lateral sclerosis 4. Last evaluated: 2021-02-01. Review status: criteria provided, single submitter. Criteria: Invitae Variant Classification Sherloc (09022015). Collection method: clinical testing. Allele origin: germline.
Comment: This variant is not present in population databases (ExAC no frequency). In summary, the available evidence is currently insufficient to determine the role of this variant in disease. Therefore, it has been classified as a Variant of Uncertain Significance. Advanced modeling of protein sequence and biophysical properties (such as structural, functional, and spatial information, amino acid conservation, physicochemical variation, residue mobility, and thermodynamic stability) performed at Invitae indicates that this missense variant is not expected to disrupt TBK1 protein function. This variant has not been reported in the literature in individuals with TBK1-related conditions. This sequence change replaces valine with isoleucine at codon 171 of the TBK1 protein (p.Val171Ile). The valine residue is highly conserved and there is a small physicochemical difference between valine and isoleucine.